The following is an entry in ClinVar:

ClinVar aggregate classification (germline): Uncertain significance (1 of 4 stars; one submission).

Submission:

Labcorp Genetics (formerly Invitae), Labcorp
Classification: Uncertain significance. Last evaluated: 2023-08-03. Review status: criteria provided, single submitter. Criteria: Invitae Variant Classification Sherloc (09022015). Collection method: clinical testing. Allele origin: germline.
Comment: In summary, the available evidence is currently insufficient to determine the role of this variant in disease. Therefore, it has been classified as a Variant of Uncertain Significance. Advanced modeling of protein sequence and biophysical properties (such as structural, functional, and spatial information, amino acid conservation, physicochemical variation, residue mobility, and thermodynamic stability) performed at Invitae indicates that this missense variant is expected to disrupt HPS1 protein function. This variant has not been reported in the literature in individuals affected with HPS1-related conditions. This variant is not present in population databases (gnomAD no frequency). This sequence change replaces leucine, which is neutral and non-polar, with proline, which is neutral and non-polar, at codon 667 of the HPS1 protein (p.Leu667Pro).

NM_000195.5(HPS1):c.2000T>C (p.Leu667Pro)

Gene: HPS1 (HPS1 biogenesis of lysosomal organelles complex 3 subunit 1; minus strand). Cytogenetic location: 10q24.2.
Variant type: single nucleotide variant.
Coding change: c.2000T>C on transcript NM_000195.5 (MANE Select); coding-DNA position 2000, T replaced by C.
Protein change: p.Leu667Pro; replaces leucine 667 with proline.
Molecular consequence: missense variant.
Genome position (GRCh38, 1-based): chr10:98,417,667, A>G on the plus strand (T>C on the coding strand, the complement: HPS1 is on the minus strand). VCF-style: chr10-98417667-A-G. GRCh37 (hg19) VCF-style: chr10-100177424-A-G.
Other names: c.1028T>C, p.Leu343Pro (NM_001311345.2, NM_001322487.2, NM_001322489.2); c.2000T>C, p.Leu667Pro (NM_001322476.2, NM_001322477.2); c.1901T>C, p.Leu634Pro (NM_001322478.2, NM_001322479.2); c.1739T>C, p.Leu580Pro (NM_001322480.2, NM_001322481.2); c.1640T>C, p.Leu547Pro (NM_001322482.2); c.1631T>C, p.Leu544Pro (NM_001322483.2, NM_001322484.2); c.1532T>C, p.Leu511Pro (NM_001322485.2); short protein forms L511P, L547P, L343P, L667P, L544P, L580P, L634P.
Identifiers: ClinVar variation 2749831 (VCV002749831.3), dbSNP rs2538722979, ClinGen allele CA378042224.